The following is an entry in ClinVar:

NM_138348.6(OTULIN):c.1029C>T (p.Pro343=)

Gene: OTULIN (OTU deubiquitinase with linear linkage specificity; plus strand). Cytogenetic location: 5p15.2.
Variant type: single nucleotide variant.
Coding change: c.1029C>T on transcript NM_138348.6 (MANE Select); coding-DNA position 1029, C replaced by T.
Protein change: p.Pro343=; no amino-acid change (proline 343 retained).
Molecular consequence: synonymous variant.
Genome position (GRCh38, 1-based): chr5:14,693,018, C>T. VCF-style: chr5-14693018-C-T. GRCh37 (hg19) VCF-style: chr5-14693127-C-T.
Identifiers: ClinVar variation 1633119 (VCV001633119.39), dbSNP rs376337976, ClinGen allele CA3208721.
Genomic context (GRCh38, chr5:14,693,018, plus strand): 5'-ACCCAAGGACTGGCCAGTGGTAACGCTCATTGCTGAGGACGATCGGCACTATAACATCCC[C>T]GTCAGAGTGTGTGAGGAGACCAGTCTATGAGAGACGCATGCTCCTGACAGCCTGGCGACG-3'
Protein context (NP_612357.4, residues 333-352): IAEDDRHYNI[Pro343=]VRVCEETSL

ClinVar aggregate classification (germline): Likely benign. Review status: criteria provided, multiple submitters, no conflicts (2 of 4 stars). 2 submissions from 2 submitters: Likely benign (2). Last evaluated 2024-02-17.

Allele frequency attached by ClinVar (database versions not stated): ESP Exome Variant Server 0.00008.
gnomAD v4.1: 27 of 1,613,690 alleles (0.0017%); highest among the groups gnomAD compares: African/African-American, 0.0053%; no homozygotes.

Submissions (2):

Labcorp Genetics (formerly Invitae), Labcorp
Classification: Likely benign. Last evaluated: 2024-02-17. Review status: criteria provided, single submitter. Criteria: Invitae Variant Classification Sherloc (09022015). Collection method: clinical testing. Allele origin: germline.

CeGaT Center for Human Genetics Tuebingen
Classification: Likely benign. Last evaluated: 2022-03-01. Review status: criteria provided, single submitter. Criteria: CeGaT Center For Human Genetics Tuebingen Variant Classification Criteria Version 2. Collection method: clinical testing. Allele origin: germline. Affected: yes. Observed: 1 variant allele.
Comment: OTULIN: BP4, BP7